The following is an entry in ClinVar:

ClinVar aggregate classification (germline): Benign/Likely benign. Review status: criteria provided, multiple submitters, no conflicts (2 of 4 stars). 13 submissions from 8 submitters: Benign (10); Likely benign (3). Last evaluated 2026-01-21.

Conditions:
Charcot-Marie-Tooth disease. Also called: Charcot-Marie-Tooth Hereditary Neuropathy; Charcot-Marie-Tooth Neuropathy. Identifiers: Orphanet 166, MedGen C0007959, MONDO:0015626.
TRPV4-related disorder. Also called: TRPV4-related condition; TRPV4-related disorders.
Scapuloperoneal spinal muscular atrophy (SPSMA). Also called: Scapuloperoneal Spinal Muscular Atrophy, TRPV4-Related; AMYOTROPHY, NEUROGENIC SCAPULOPERONEAL, NEW ENGLAND TYPE; Scapuloperoneal Form of Spinal Muscular Atrophy; Scapuloperoneal spinal muscular atrophy, autosomal dominant. Identifiers: Orphanet 431255, MedGen C0751335, MONDO:0008408, OMIM 181405.
Charcot-Marie-Tooth disease axonal type 2C (HMSN2C). Also called: Charcot-Marie-Tooth Disease Type 2, TRPV4-Related (CMT2C); CHARCOT-MARIE-TOOTH DISEASE, AXONAL, AUTOSOMAL DOMINANT, TYPE 2C; Charcot-Marie-Tooth Neuropathy Type 2C. Identifiers: Orphanet 99937, MedGen C1853710, MONDO:0011633, OMIM 606071.
Brachyrachia (short spine dysplasia) (BCYM3). Also called: Brachyolmia, TRPV4-Related; Brachyolmia Type 3; BRACHYRACHIA; Autosomal dominant brachyolmia. Identifiers: Orphanet 93304, MedGen C0432227, MONDO:0007232, OMIM 113500.
Neuronopathy, distal hereditary motor, autosomal dominant 8. Also called: SPINAL MUSCULAR ATROPHY, CONGENITAL BENIGN, WITH CONTRACTURES; NEURONOPATHY, DISTAL HEREDITARY MOTOR, TYPE VIII; NEUROPATHY, DISTAL HEREDITARY MOTOR, TYPE VIII; Autosomal dominant congenital benign spinal muscular atrophy. Identifiers: Orphanet 1216, MedGen C1838492, MONDO:0010839, OMIM 600175.
Spondylometaphyseal dysplasia, Kozlowski type (SMDK). Also called: Spondylometaphyseal Dysplasia, TRPV4-Related (Kozlowski Type); Dysmorphism arthrogryposis skeletal maturation advanced; Jequier-Kozlowski syndrome; Skeletal dysplasia Jequier-Kozlowski type; SMD Kozlowski type. Identifiers: Orphanet 93314, MedGen C0265280, MONDO:0008477, OMIM 184252.
Metatropic dysplasia (MTD). Also called: Metatropic Dysplasia, TRPV4-Related; Metatropic dysplasia, nonlethal dominant; METATROPIC DWARFISM. Identifiers: Orphanet 2635, MedGen C0265281, MONDO:0007986, OMIM 156530.

Allele frequency attached by ClinVar (database versions not stated): ExAC 0.00071; gnomAD exomes 0.00023 and 0.00061; gnomAD 0.00260 and 0.00255; 1000 Genomes Project 0.00459; ESP Exome Variant Server 0.00238; TOPMed 0.00252; 1000 Genomes Project 30x 0.00562.
gnomAD v4.1: 743 of 1,613,216 alleles (0.046%); highest among the groups gnomAD compares: African/African-American, 0.88%; 4 homozygotes.

Submissions (13):

Labcorp Genetics (formerly Invitae), Labcorp
Classification: Likely benign for Charcot-Marie-Tooth disease axonal type 2C. Last evaluated: 2026-01-21. Review status: criteria provided, single submitter. Criteria: Invitae Variant Classification Sherloc (09022015). Collection method: clinical testing. Allele origin: germline.

PreventionGenetics, part of Exact Sciences
Classification: Benign for TRPV4-related condition. Last evaluated: 2025-09-16. Review status: criteria provided, single submitter. Criteria: ACMG Guidelines, 2015. Collection method: clinical testing. Allele origin: germline.
Comment: This variant is classified as benign based on ACMG/AMP sequence variant interpretation guidelines (Richards et al. 2015 PMID: 25741868, with internal and published modifications).

ARUP Laboratories, Molecular Genetics and Genomics, ARUP Laboratories
Classification: Benign. Last evaluated: 2019-02-15. Review status: criteria provided, single submitter. Criteria: ARUP Molecular Germline Variant Investigation Process. Collection method: clinical testing. Allele origin: germline.

Athena Diagnostics
Classification: Benign. Last evaluated: 2018-06-26. Review status: criteria provided, single submitter. Criteria: Athena Diagnostics Criteria. Collection method: clinical testing. Allele origin: germline.

Illumina Laboratory Services, Illumina
Classification: Benign for Charcot-Marie-Tooth disease axonal type 2C. Last evaluated: 2018-01-12. Review status: criteria provided, single submitter. Criteria: ICSL Variant Classification Criteria 13 December 2019. Collection method: clinical testing. Allele origin: germline.
Comment: This variant was observed in the ICSL laboratory as part of a predisposition screen in an ostensibly healthy population. It had not been previously curated by ICSL or reported in the Human Gene Mutation Database (HGMD: prior to June 1st, 2018), and was therefore a candidate for classification through an automated scoring system. Utilizing variant allele frequency, disease prevalence and penetrance estimates, and inheritance mode, an automated score was calculated to assess if this variant is too frequent to cause the disease. Based on the score and internal cut-off values, a variant classified as benign is not then subjected to further curation. The score for this variant resulted in a classification of benign for this disease.

Illumina Laboratory Services, Illumina
Classification: Benign for Metatropic dysplasia. Last evaluated: 2018-01-12. Review status: criteria provided, single submitter. Criteria: ICSL Variant Classification Criteria 13 December 2019. Collection method: clinical testing. Allele origin: germline.
Comment: the same text as in the submission from Illumina Laboratory Services, Illumina above.

Illumina Laboratory Services, Illumina
Classification: Benign for Spondylometaphyseal dysplasia, Kozlowski type. Last evaluated: 2018-01-12. Review status: criteria provided, single submitter. Criteria: ICSL Variant Classification Criteria 13 December 2019. Collection method: clinical testing. Allele origin: germline.
Comment: the same text as in the submission from Illumina Laboratory Services, Illumina above.

Illumina Laboratory Services, Illumina
Classification: Benign for Neuronopathy, distal hereditary motor, autosomal dominant 8. Last evaluated: 2018-01-12. Review status: criteria provided, single submitter. Criteria: ICSL Variant Classification Criteria 13 December 2019. Collection method: clinical testing. Allele origin: germline.
Comment: the same text as in the submission from Illumina Laboratory Services, Illumina above.

Illumina Laboratory Services, Illumina
Classification: Benign for Scapuloperoneal spinal muscular atrophy. Last evaluated: 2018-01-12. Review status: criteria provided, single submitter. Criteria: ICSL Variant Classification Criteria 13 December 2019. Collection method: clinical testing. Allele origin: germline.
Comment: the same text as in the submission from Illumina Laboratory Services, Illumina above.

Illumina Laboratory Services, Illumina
Classification: Benign for Brachyrachia (short spine dysplasia). Last evaluated: 2018-01-12. Review status: criteria provided, single submitter. Criteria: ICSL Variant Classification Criteria 13 December 2019. Collection method: clinical testing. Allele origin: germline.
Comment: the same text as in the submission from Illumina Laboratory Services, Illumina above.

GeneDx
Classification: Likely benign. Last evaluated: 2017-09-15. Review status: criteria provided, single submitter. Criteria: GeneDx Variant Classification (06012015). Collection method: clinical testing. Allele origin: germline. Affected: yes.
Comment: This variant is considered likely benign or benign based on one or more of the following criteria: it is a conservative change, it occurs at a poorly conserved position in the protein, it is predicted to be benign by multiple in silico algorithms, and/or has population frequency not consistent with disease.

Mayo Clinic Laboratories, Mayo Clinic
Classification: Benign. Last evaluated: 2016-12-06. Review status: criteria provided, single submitter. Criteria: ACMG Guidelines, 2015. Collection method: clinical testing. Allele origin: germline. Observed: 3 variant alleles.

Molecular Genetics Laboratory, London Health Sciences Centre
Classification: Likely benign for Charcot-Marie-Tooth disease. Review status: criteria provided, single submitter. Criteria: ACMG Guidelines, 2015. Collection method: clinical testing. Allele origin: germline. Affected: yes.

NM_021625.5(TRPV4):c.712+10C>T

Gene: TRPV4 (transient receptor potential cation channel subfamily V member 4; minus strand). Cytogenetic location: 12q24.11.
Variant type: single nucleotide variant.
Coding change: c.712+10C>T on transcript NM_021625.5 (MANE Select); 10 bases into the intron after coding-DNA position 712, C replaced by T.
Molecular consequence: intron variant.
Genome position (GRCh38, 1-based): chr12:109,802,981, G>A on the plus strand (C>T on the coding strand, the complement: TRPV4 is on the minus strand). VCF-style: chr12-109802981-G-A. GRCh37 (hg19) VCF-style: chr12-110240786-G-A.
Other names: p.?; c.712+10C>T (NM_001177433.1, NM_001177428.1, NM_147204.2); c.610+10C>T (NM_001177431.1).
Identifiers: ClinVar variation 215920 (VCV000215920.25), dbSNP rs115657305, ClinGen allele CA338103.